The following is an entry in ClinVar:

ClinVar aggregate classification (germline): Uncertain significance (1 of 4 stars; one submission).

Conditions:
Inborn genetic diseases. Identifiers: MedGen C0950123, MeSH D030342.

Submission:

Ambry Genetics
Classification: Uncertain significance for Inborn genetic diseases. Last evaluated: 2026-01-23. Review status: criteria provided, single submitter. Criteria: Ambry Variant Classification Scheme 2023. Collection method: clinical testing. Allele origin: germline.
Comment: The p.A284S variant (also known as c.850G>T), located in coding exon 8 of the ANKRD26 gene, results from a G to T substitution at nucleotide position 850. The alanine at codon 284 is replaced by serine, an amino acid with similar properties. This amino acid position is conserved. In addition, this alteration is predicted to be tolerated by in silico analysis. Based on the available evidence, the clinical significance of this variant remains unclear.

NM_014915.3(ANKRD26):c.850G>T (p.Ala284Ser)

Gene: ANKRD26 (ankyrin repeat domain 26; minus strand). Cytogenetic location: 10p12.1.
Variant type: single nucleotide variant.
Coding change: c.850G>T on transcript NM_014915.3 (MANE Select); coding-DNA position 850, G replaced by T.
Protein change: p.Ala284Ser; replaces alanine 284 with serine.
Molecular consequence: missense variant.
Genome position (GRCh38, 1-based): chr10:27,077,657, C>A on the plus strand (G>T on the coding strand, the complement: ANKRD26 is on the minus strand). VCF-style: chr10-27077657-C-A. GRCh37 (hg19) VCF-style: chr10-27366586-C-A.
Other names: c.850G>T, p.Ala284Ser (NM_001256053.2); short protein forms A284S.
Identifiers: ClinVar variation 4845122 (VCV004845122.1).